The following is an entry in ClinVar:

NM_002226.5(JAG2):c.2249-8C>A

Gene: JAG2 (jagged canonical Notch ligand 2; minus strand). Cytogenetic location: 14q32.33.
Variant type: single nucleotide variant.
Coding change: c.2249-8C>A on transcript NM_002226.5 (MANE Select); 8 bases into the intron before coding-DNA position 2249, C replaced by A.
Molecular consequence: intron variant.
Genome position (GRCh38, 1-based): chr14:105,147,896, G>T on the plus strand (C>A on the coding strand, the complement: JAG2 is on the minus strand). VCF-style: chr14-105147896-G-T. GRCh37 (hg19) VCF-style: chr14-105614233-G-T.
Other names: NC_000014.8:g.105614233G>T; c.2135-8C>A (NM_145159.3).
Identifiers: ClinVar variation 3036146 (VCV003036146.3), dbSNP rs376316136, ClinGen allele CA7385666.

ClinVar aggregate classification (germline): Likely benign (0 of 4 stars; one submission).

Conditions:
JAG2-related disorder. Also called: JAG2-related condition.

Allele frequency attached by ClinVar (database versions not stated): ESP Exome Variant Server 0.00040; 1000 Genomes Project 0.00060; 1000 Genomes Project 30x 0.00062; TOPMed 0.00107.
gnomAD v4.1: 281 of 1,544,956 alleles (0.018%); highest among the groups gnomAD compares: African/African-American, 0.32%; no homozygotes.

Submissions (2):

PreventionGenetics, part of Exact Sciences
Classification: Likely benign for JAG2-related condition. Last evaluated: 2021-03-19. Review status: no assertion criteria provided. Collection method: clinical testing. Allele origin: germline.
Comment: This variant is classified as likely benign based on ACMG/AMP sequence variant interpretation guidelines (Richards et al. 2015 PMID: 25741868, with internal and published modifications).

Dr. Peter K. Rogan Lab, Western University
No classification provided (evidence only). Condition: Malignant tumor of esophagus. Review status: no classification provided. Collection method: in vitro. Allele origin: not applicable. Functional consequence: retained intron. Not counted in ClinVar's aggregate classification.